The following is an entry in ClinVar:

ClinVar aggregate classification (germline): Uncertain significance (1 of 4 stars; one submission).

Submission:

Labcorp Genetics (formerly Invitae), Labcorp
Classification: Uncertain significance. Last evaluated: 2022-11-14. Review status: criteria provided, single submitter. Criteria: Invitae Variant Classification Sherloc (09022015). Collection method: clinical testing. Allele origin: germline.
Comment: This sequence change replaces threonine, which is neutral and polar, with alanine, which is neutral and non-polar, at codon 290 of the MAPKAPK3 protein (p.Thr290Ala). This variant is not present in population databases (gnomAD no frequency). This variant has not been reported in the literature in individuals affected with MAPKAPK3-related conditions. Algorithms developed to predict the effect of missense changes on protein structure and function are either unavailable or do not agree on the potential impact of this missense change (SIFT: "Deleterious"; PolyPhen-2: "Benign"; Align-GVGD: "Class C55"). In summary, the available evidence is currently insufficient to determine the role of this variant in disease. Therefore, it has been classified as a Variant of Uncertain Significance.

NM_001243925.2(MAPKAPK3):c.868A>G (p.Thr290Ala)

Gene: MAPKAPK3 (MAPK activated protein kinase 3; plus strand). Cytogenetic location: 3p21.2.
Variant type: single nucleotide variant.
Coding change: c.868A>G on transcript NM_001243925.2 (MANE Select); coding-DNA position 868, A replaced by G.
Protein change: p.Thr290Ala; replaces threonine 290 with alanine.
Molecular consequence: missense variant.
Genome position (GRCh38, 1-based): chr3:50,646,778, A>G. VCF-style: chr3-50646778-A-G. GRCh37 (hg19) VCF-style: chr3-50684209-A-G.
Other names: c.868A>G, p.Thr290Ala (NM_001243926.2, NM_004635.5); short protein forms T290A.
Identifiers: ClinVar variation 2814206 (VCV002814206.3), dbSNP rs2471708480, ClinGen allele CA352935704.
Genomic context (GRCh38, chr3:50,646,778, plus strand): 5'-CTCTCTTCCCTGGCCCCCCTAGCCAAGCAGCTGATCCGCCTCCTGTTGAAGACAGACCCC[A>G]CAGAGAGGCTGACCATCACTCAGTTCATGAACCACCCCTGGATCAACGTGAGCCCCTCCT-3'
Protein context (NP_001230854.1, residues 280-300): LIRLLLKTDP[Thr290Ala]ERLTITQFMN